The following is an entry in ClinVar:

NM_002303.6(LEPR):c.2674-5993A>T

Gene: LEPR (leptin receptor; plus strand). Cytogenetic location: 1p31.3.
Variant type: single nucleotide variant.
Coding change: c.2674-5993A>T on transcript NM_002303.6 (MANE Select); 5993 bases into the intron before coding-DNA position 2674, A replaced by T.
Molecular consequence: intron variant.
Genome position (GRCh38, 1-based): chr1:65,630,198, A>T. VCF-style: chr1-65630198-A-T. GRCh37 (hg19) VCF-style: chr1-66095881-A-T.
Other names: c.2674-2954A>T (NM_001003679.3, NM_001198689.2); c.2674-4A>T (NM_001003680.3, NM_001198687.2).
Identifiers: ClinVar variation 4997915 (VCV004997915.1).

ClinVar aggregate classification (germline): Uncertain significance (1 of 4 stars; one submission).

Conditions:
LEPR-related disorder. Also called: LEPR-related disorders; LEPR-related condition.

gnomAD v4.1: 1 of 279,046 alleles (0.00036%); highest among the groups gnomAD compares: Non-Finnish European, 0.0007%; no homozygotes.

Submission:

PreventionGenetics, part of Exact Sciences
Classification: Uncertain significance for LEPR-related condition. Last evaluated: 2025-05-15. Review status: criteria provided, single submitter. Criteria: ACMG Guidelines, 2015. Collection method: clinical testing. Allele origin: germline.
Comment: The LEPR c.2674-4A>T variant is predicted to interfere with splicing. To our knowledge, this variant has not been reported in the literature or in a large population database (gnomAD), indicating this variant is rare. At this time, the clinical significance of this variant is uncertain due to the absence of conclusive functional and genetic evidence.